The following is an entry in ClinVar:

NM_005589.4(ALDH6A1):c.*980A>G

Genes: ALDH6A1 (aldehyde dehydrogenase 6 family member A1; minus strand), BBOF1 (basal body orientation factor 1; plus strand). Cytogenetic location: 14q24.3.
Variant type: single nucleotide variant.
Coding change: c.*980A>G on transcript NM_005589.4 (MANE Select); 980 bases downstream of the stop codon, A replaced by G.
Molecular consequence: 3 prime UTR variant. On other transcripts: intron variant (1).
Genome position (GRCh38, 1-based): chr14:74,059,662, T>C on the plus strand (A>G on the coding strand, the complement: ALDH6A1 is on the minus strand). VCF-style: chr14-74059662-T-C. GRCh37 (hg19) VCF-style: chr14-74526365-T-C.
Other names: c.*980A>G (NM_001278593.2, NM_001278594.2); c.1578+2404T>C (NM_025057.3).
Identifiers: ClinVar variation 884939 (VCV000884939.4), dbSNP rs148780249, ClinGen allele CA263534262.

ClinVar aggregate classification (germline): Benign (1 of 4 stars; one submission).

Conditions:
Methylmalonate semialdehyde dehydrogenase deficiency (MMSDHD). Also called: MMSDH DEFICIENCY. Identifiers: Orphanet 289307, MedGen C3279840, MONDO:0013579, OMIM 614105.

Allele frequency attached by ClinVar (database versions not stated): gnomAD exomes 0.00024; 1000 Genomes Project 0.00779; 1000 Genomes Project 30x 0.00781; gnomAD 0.00834 and 0.00914; TOPMed 0.00943.
gnomAD v4.1: 1,265 of 179,018 alleles (0.71%); highest among the groups gnomAD compares: African/African-American, 2.9%; 16 homozygotes.

Submission:

Illumina Laboratory Services, Illumina
Classification: Benign for Methylmalonate semialdehyde dehydrogenase deficiency. Last evaluated: 2018-01-12. Review status: criteria provided, single submitter. Criteria: ICSL Variant Classification Criteria 13 December 2019. Collection method: clinical testing. Allele origin: germline.
Comment: This variant was observed in the ICSL laboratory as part of a predisposition screen in an ostensibly healthy population. It had not been previously curated by ICSL or reported in the Human Gene Mutation Database (HGMD: prior to June 1st, 2018), and was therefore a candidate for classification through an automated scoring system. Utilizing variant allele frequency, disease prevalence and penetrance estimates, and inheritance mode, an automated score was calculated to assess if this variant is too frequent to cause the disease. Based on the score and internal cut-off values, a variant classified as benign is not then subjected to further curation. The score for this variant resulted in a classification of benign for this disease.